The following is an entry in ClinVar:

NM_007194.4(CHEK2):c.1007A>C (p.Gln336Pro)

Gene: CHEK2 (checkpoint kinase 2; minus strand). Cytogenetic location: 22q12.1.
Variant type: single nucleotide variant.
Coding change: c.1007A>C on transcript NM_007194.4 (MANE Select); coding-DNA position 1007, A replaced by C.
Protein change: p.Gln336Pro; replaces glutamine 336 with proline.
Molecular consequence: missense variant.
Genome position (GRCh38, 1-based): chr22:28,699,839, T>G on the plus strand (A>C on the coding strand, the complement: CHEK2 is on the minus strand). VCF-style: chr22-28699839-T-G. GRCh37 (hg19) VCF-style: chr22-29095827-T-G.
Other names: c.1136A>C, p.Gln379Pro (NM_001005735.3); c.344A>C, p.Gln115Pro (NM_001257387.3); c.806A>C, p.Gln269Pro (NM_001349956.3); c.1007A>C, p.Gln336Pro (NM_145862.3); short protein forms Q336P, Q269P, Q379P, Q115P.
Identifiers: ClinVar variation 479536 (VCV000479536.16), dbSNP rs1300388084, ClinGen allele CA411099293.

ClinVar aggregate classification (germline): Uncertain significance. Review status: criteria provided, multiple submitters, no conflicts (2 of 4 stars). 3 submissions from 3 submitters: Uncertain significance (3). Last evaluated 2026-02-19.

Conditions:
Hereditary cancer-predisposing syndrome. Also called: Tumor predisposition; Hereditary Cancer Syndrome; Neoplastic Syndromes, Hereditary; Hereditary neoplastic syndrome. Identifiers: Orphanet 140162, MedGen C0027672, MeSH D009386, MONDO:0015356.
Familial cancer of breast. Also called: Hereditary breast cancer; BREAST CANCER, FAMILIAL; hereditary breast carcinoma. Identifiers: Orphanet 227535, MedGen C0346153, MONDO:0016419, OMIM 114480. Disease mechanism: loss of function.

Allele frequency attached by ClinVar (database versions not stated): gnomAD exomes below 0.00001.
gnomAD v4.1: 1 of 1,609,912 alleles (0.000062%); highest among the groups gnomAD compares: South Asian, 0.0011%; no homozygotes.

Submissions (3):

Ambry Genetics
Classification: Uncertain significance for Hereditary cancer-predisposing syndrome. Last evaluated: 2026-02-19. Review status: criteria provided, single submitter. Criteria: Ambry Variant Classification Scheme 2023. Collection method: clinical testing. Allele origin: germline.
Comment: The p.Q336P variant (also known as c.1007A>C), located in coding exon 8 of the CHEK2 gene, results from an A to C substitution at nucleotide position 1007. The glutamine at codon 336 is replaced by proline, an amino acid with similar properties. This amino acid position is not well conserved in available vertebrate species. In silico splice site analysis predicts that this alteration will not have any significant effect on splicing. In addition, the in silico prediction for this alteration is inconclusive. Based on the available evidence, the clinical significance of this variant remains unclear.

Labcorp Genetics (formerly Invitae), Labcorp
Classification: Uncertain significance for Familial cancer of breast. Last evaluated: 2026-01-14. Review status: criteria provided, single submitter. Criteria: Invitae Variant Classification Sherloc (09022015). Collection method: clinical testing. Allele origin: germline.
Comment: This sequence change replaces glutamine, which is neutral and polar, with proline, which is neutral and non-polar, at codon 336 of the CHEK2 protein (p.Gln336Pro). This variant is present in population databases (no rsID available, gnomAD 0.003%). This variant has not been reported in the literature in individuals affected with CHEK2-related conditions. ClinVar contains an entry for this variant (Variation ID: 479536). An algorithm developed to predict the effect of missense changes on protein structure and function (PolyPhen-2) suggests that this variant is likely to be disruptive. RNA analysis performed to evaluate the impact of this missense change on mRNA splicing indicates it does not significantly alter splicing (internal data). In summary, the available evidence is currently insufficient to determine the role of this variant in disease. Therefore, it has been classified as a Variant of Uncertain Significance.

Color Diagnostics, LLC DBA Color Health
Classification: Uncertain significance for Hereditary cancer-predisposing syndrome. Last evaluated: 2022-03-22. Review status: criteria provided, single submitter. Criteria: ACMG Guidelines, 2015. Collection method: clinical testing. Allele origin: germline.
Comment: This missense variant replaces glutamine with proline at codon 336 of the CHEK2 protein. Computational prediction suggests that this variant may not impact protein structure and function (internally defined REVEL score threshold <= 0.5, PMID: 27666373). To our knowledge, functional studies have not been reported for this variant. This variant has not been reported in individuals affected with hereditary cancer in the literature. This variant has been identified in 1/251450 chromosomes in the general population by the Genome Aggregation Database (gnomAD). The available evidence is insufficient to determine the role of this variant in disease conclusively. Therefore, this variant is classified as a Variant of Uncertain Significance.